The following is an entry in ClinVar:

ClinVar aggregate classification (germline): Uncertain significance (1 of 4 stars; one submission).

Allele frequency attached by ClinVar (database versions not stated): ExAC 0.00001.

Submission:

Labcorp Genetics (formerly Invitae), Labcorp
Classification: Uncertain significance. Last evaluated: 2024-07-30. Review status: criteria provided, single submitter. Criteria: Invitae Variant Classification Sherloc (09022015). Collection method: clinical testing. Allele origin: germline.
Comment: This sequence change replaces serine, which is neutral and polar, with asparagine, which is neutral and polar, at codon 334 of the DCX protein (p.Ser334Asn). This variant is present in population databases (rs751019908, gnomAD 0.004%), including at least one homozygous and/or hemizygous individual. This variant has not been reported in the literature in individuals affected with DCX-related conditions. Advanced modeling of protein sequence and biophysical properties (such as structural, functional, and spatial information, amino acid conservation, physicochemical variation, residue mobility, and thermodynamic stability) performed at Invitae indicates that this missense variant is not expected to disrupt DCX protein function with a negative predictive value of 80%. In summary, the available evidence is currently insufficient to determine the role of this variant in disease. Therefore, it has been classified as a Variant of Uncertain Significance.

NM_001195553.2(DCX):c.1016G>A (p.Ser339Asn)

Gene: DCX (doublecortin; minus strand). Cytogenetic location: Xq23.
Variant type: single nucleotide variant.
Coding change: c.1016G>A on transcript NM_001195553.2 (MANE Select); coding-DNA position 1016, G replaced by A.
Protein change: p.Ser339Asn; replaces serine 339 with asparagine.
Molecular consequence: missense variant. On other transcripts: intron variant (3).
Genome position (GRCh38, 1-based): chrX:111,312,667, C>T on the plus strand (G>A on the coding strand, the complement: DCX is on the minus strand). VCF-style: chrX-111312667-C-T. GRCh37 (hg19) VCF-style: chrX-110555895-C-T.
Other names: c.1244G>A, p.Ser415Asn (NM_000555.3); c.1016G>A, p.Ser339Asn (NM_001369370.1, NM_001369371.1, NM_178152.3); c.1001G>A, p.Ser334Asn (NM_001369372.1, NM_178151.3, NM_178153.3); c.932-10924G>A (NM_001369373.1, NM_001369374.1); c.947-10924G>A (NM_001410715.1); short protein forms S334N, S339N, S415N.
Identifiers: ClinVar variation 3011839 (VCV003011839.3), dbSNP rs751019908, ClinGen allele CA10493245.
Genomic context (GRCh38, chrX:111,312,667, plus strand): 5'-CAAAGAGGTTTAGTAAGGTATAAGAGACATAATACCTTGTGCTTCCGGAGGCTGCCAGGA[C>T]TGGTGGGCGTAGAGATGGGAGACTGCTTAGACTTGGGGGTAGAGAGCTGGCTGCTGGAGG-3'
Protein context (NP_001182482.1, residues 329-349): SKQSPISTPT[Ser339Asn]PGSLRKHKVD